The following is an entry in ClinVar:

NM_032242.4(PLXNA1):c.340G>A (p.Val114Ile)

Gene: PLXNA1 (plexin A1; plus strand). Cytogenetic location: 3q21.3.
Variant type: single nucleotide variant.
Coding change: c.340G>A on transcript NM_032242.4 (MANE Select); coding-DNA position 340, G replaced by A.
Protein change: p.Val114Ile; replaces valine 114 with isoleucine.
Molecular consequence: missense variant.
Genome position (GRCh38, 1-based): chr3:126,988,933, G>A. VCF-style: chr3-126988933-G-A. GRCh37 (hg19) VCF-style: chr3-126707776-G-A.
Other names: short protein forms V114I.
Identifiers: ClinVar variation 4979024 (VCV004979024.1).
Genomic context (GRCh38, chr3:126,988,933, plus strand): 5'-AAGTGCTACCCGCCGCCCAGCGTGCAGTCCTGCCCCCACGGCCTGGGCAGTACTGACAAC[G>A]TCAACAAGCTGCTGCTGCTGGACTATGCCGCTAACCGCCTGCTGGCCTGTGGCAGCGCCT-3'
Protein context (NP_115618.3, residues 104-124): CPHGLGSTDN[Val114Ile]NKLLLLDYAA

ClinVar aggregate classification (germline): Uncertain significance (1 of 4 stars; one submission).

Conditions:
PLXNA1-related disorder. Also called: PLXNA1-related condition.

gnomAD v4.1: 12 of 1,613,216 alleles (0.00074%); highest among the groups gnomAD compares: Admixed American, 0.02%; no homozygotes.

Submission:

PreventionGenetics, part of Exact Sciences
Classification: Uncertain significance for PLXNA1-related condition. Last evaluated: 2026-06-12. Review status: criteria provided, single submitter. Criteria: ACMG Guidelines, 2015. Collection method: clinical testing. Allele origin: germline.
Comment: The PLXNA1 c.340G>A variant is predicted to result in the amino acid substitution p.Val114Ile. To our knowledge, this variant has not been reported in the literature. This variant is reported in 0.029% of alleles in individuals of Latino descent in gnomAD. At this time, the clinical significance of this variant is uncertain due to the absence of conclusive functional and genetic evidence.